The following is an entry in ClinVar:

NM_001037.5(SCN1B):c.448+277G>T

Gene: SCN1B (sodium voltage-gated channel beta subunit 1; plus strand). Cytogenetic location: 19q13.11.
Variant type: single nucleotide variant.
Coding change: c.448+277G>T on transcript NM_001037.5 (MANE Select); 277 bases into the intron after coding-DNA position 448, G replaced by T.
Molecular consequence: intron variant. On other transcripts: missense variant (1).
Genome position (GRCh38, 1-based): chr19:35,034,016, G>T. VCF-style: chr19-35034016-G-T. GRCh37 (hg19) VCF-style: chr19-35524920-G-T.
Other names: c.725G>T, p.Arg242Met (NM_199037.5); c.349+277G>T (NM_001321605.2); short protein forms R242M.
Identifiers: ClinVar variation 1477893 (VCV001477893.8), dbSNP rs2064232777, ClinGen allele CA405329726.

ClinVar aggregate classification (germline): Uncertain significance (1 of 4 stars; one submission).

Conditions:
Brugada syndrome 5 (BRGDA5). Identifiers: Orphanet 130, Orphanet 871, MedGen C2748541, MONDO:0013015, OMIM 612838.

Allele frequency attached by ClinVar (database versions not stated): gnomAD exomes below 0.00001; TOPMed 0.00001.
gnomAD v4.1: 1 of 1,549,358 alleles (0.000065%); highest among the groups gnomAD compares: Non-Finnish European, 0.000087%; no homozygotes.

Submission:

Labcorp Genetics (formerly Invitae), Labcorp
Classification: Uncertain significance for Brugada syndrome 5. Last evaluated: 2021-08-22. Review status: criteria provided, single submitter. Criteria: Invitae Variant Classification Sherloc (09022015). Collection method: clinical testing. Allele origin: germline.
Comment: This variant has not been reported in the literature in individuals affected with SCN1B-related conditions. Algorithms developed to predict the effect of missense changes on protein structure and function are either unavailable or do not agree on the potential impact of this missense change (SIFT: "Deleterious"; PolyPhen-2: "Benign"; Align-GVGD: "Class C0"). In summary, the available evidence is currently insufficient to determine the role of this variant in disease. Therefore, it has been classified as a Variant of Uncertain Significance. This sequence change replaces arginine with methionine at codon 242 of the SCN1B protein (p.Arg242Met). The arginine residue is weakly conserved and there is a moderate physicochemical difference between arginine and methionine. This variant is not present in population databases (ExAC no frequency).